The following is an entry in ClinVar:

ClinVar aggregate classification (germline): Pathogenic (1 of 4 stars; one submission).

Submission:

Labcorp Genetics (formerly Invitae), Labcorp
Classification: Pathogenic. Last evaluated: 2021-03-30. Review status: criteria provided, single submitter. Criteria: Invitae Variant Classification Sherloc (09022015). Collection method: clinical testing. Allele origin: germline.
Comment: For these reasons, this variant has been classified as Pathogenic. This variant has not been reported in the literature in individuals with CUL7-related conditions. This variant is not present in population databases (ExAC no frequency). This sequence change creates a premature translational stop signal (p.Thr890Leufs*34) in the CUL7 gene. It is expected to result in an absent or disrupted protein product. Loss-of-function variants in CUL7 are known to be pathogenic (PMID: 16142236, 17675530, 19225462).

Literature cited by the submitters: PubMed 16142236; PubMed 17675530; PubMed 19225462.

NM_014780.5(CUL7):c.2667del (p.Thr890fs)

Gene: CUL7 (cullin 7; minus strand). Cytogenetic location: 6p21.1.
Variant type: Deletion.
Coding change: c.2667del on transcript NM_014780.5 (MANE Select); coding-DNA position 2667, one base deleted (G; older notation c.2667delG).
Protein change: p.Thr890fs; shifts the reading frame from threonine 890.
Molecular consequence: frameshift variant.
Genome position (GRCh38, 1-based): chr6:43,046,085, C deleted on the plus strand (G on the coding strand, the reverse complement: CUL7 is on the minus strand). VCF-style (leftmost placement, unchanged base first): chr6-43046084-TC-T. GRCh37 (hg19) VCF-style: chr6-43013822-TC-T.
Other names: c.2763del, p.Thr922fs (NM_001168370.2, NM_001374872.1); c.2667del, p.Thr890fs (NM_001374873.1, NM_001374874.1); short protein forms T890fs, T922fs.
Identifiers: ClinVar variation 1455425 (VCV001455425.6), dbSNP rs2150323046, ClinGen allele CA2573140791.